The following is an entry in ClinVar:

NM_001453.3(FOXC1):c.821del (p.Pro274fs)

Gene: FOXC1 (forkhead box C1; plus strand). Cytogenetic location: 6p25.3.
Variant type: Deletion.
Coding change: c.821del on transcript NM_001453.3 (MANE Select); coding-DNA position 821, one base deleted (C; older notation c.821delC).
Protein change: p.Pro274fs; shifts the reading frame from proline 274.
Molecular consequence: frameshift variant.
Genome position (GRCh38, 1-based): chr6:1,611,266, C deleted; the last of 6 consecutive C bases (chr6:1,611,261-1,611,266); deleting any one gives the same sequence. VCF-style (leftmost placement, unchanged base first): chr6-1611260-GC-G. GRCh37 (hg19) VCF-style: chr6-1611495-GC-G.
Other names: short protein forms P274fs.
Identifiers: ClinVar variation 1693144 (VCV001693144.2), dbSNP rs2113112720, ClinGen allele CA565356200.

ClinVar aggregate classification (germline): Pathogenic/Likely pathogenic. Review status: criteria provided, multiple submitters, no conflicts (2 of 4 stars). 2 submissions from 2 submitters: Pathogenic (1); Likely pathogenic (1). Last evaluated 2025-04-04.

Conditions:
Axenfeld-Rieger syndrome type 3 (RIEG3). Also called: AXENFELD-RIEGER ANOMALY WITH CARDIAC DEFECTS AND/OR SENSORINEURAL HEARING LOSS. Identifiers: Orphanet 782, MedGen C2678503, MONDO:0011233, OMIM 602482.

Submissions (2):

GeneDx
Classification: Likely pathogenic. Last evaluated: 2025-04-04. Review status: criteria provided, single submitter. Criteria: GeneDx Variant Classification Process June 2021. Collection method: clinical testing. Allele origin: germline. Affected: yes.
Comment: Frameshift variant predicted to result in abnormal protein length as the last 280 amino acid(s) are replaced with 40 different amino acid(s), and other similar variants have been reported in HGMD; Not observed at significant frequency in large population cohorts (gnomAD); This variant is associated with the following publications: (PMID: 22171010, 35882526)

Genomics, Genetics and Epigenetics Laboratory, Medical College of Wisconsin
Classification: Pathogenic for Axenfeld-Rieger syndrome type 3. Last evaluated: 2022-06-23. Review status: criteria provided, single submitter. Criteria: ACMG Guidelines, 2015. Collection method: research. Allele origin: germline. Affected: yes. Observed: 1 variant allele.

Literature cited by the submitters: PubMed 35882526 (cited by Genomics, Genetics and Epigenetics Laboratory, Medical College of Wisconsin).